The following is an entry in ClinVar:

ClinVar aggregate classification (germline): Uncertain significance. Review status: criteria provided, multiple submitters, no conflicts (2 of 4 stars). 2 submissions from 2 submitters: Uncertain significance (2). Last evaluated 2025-09-26.

Conditions:
Agammaglobulinemia 2, autosomal recessive (AGM2). Also called: AGAMMAGLOBULINEMIA, AUTOSOMAL RECESSIVE, DUE TO IGLL1 DEFECT. Identifiers: MedGen C3150750, MONDO:0013287, OMIM 613500.

Allele frequency attached by ClinVar (database versions not stated): TOPMed 0.00001; gnomAD 0.00001.

Submissions (2):

Ambry Genetics
Classification: Uncertain significance. Last evaluated: 2025-09-26. Review status: criteria provided, single submitter. Criteria: Ambry Variant Classification Scheme 2023. Collection method: clinical testing. Allele origin: germline.

Labcorp Genetics (formerly Invitae), Labcorp
Classification: Uncertain significance for Agammaglobulinemia 2, autosomal recessive. Last evaluated: 2025-09-04. Review status: criteria provided, single submitter. Criteria: Invitae Variant Classification Sherloc (09022015). Collection method: clinical testing. Allele origin: germline.
Comment: This sequence change replaces proline, which is neutral and non-polar, with histidine, which is basic and polar, at codon 25 of the IGLL1 protein (p.Pro25His). The frequency data for this variant in the population databases is considered unreliable, as metrics indicate poor data quality at this position in the gnomAD database. This variant has not been reported in the literature in individuals affected with IGLL1-related conditions. ClinVar contains an entry for this variant (Variation ID: 2827475). An algorithm developed to predict the effect of missense changes on protein structure and function (PolyPhen-2) suggests that this variant is likely to be disruptive. In summary, the available evidence is currently insufficient to determine the role of this variant in disease. Therefore, it has been classified as a Variant of Uncertain Significance.

NM_020070.4(IGLL1):c.74C>A (p.Pro25His)

Gene: IGLL1 (immunoglobulin lambda like polypeptide 1; minus strand). Cytogenetic location: 22q11.23.
Variant type: single nucleotide variant.
Coding change: c.74C>A on transcript NM_020070.4 (MANE Select); coding-DNA position 74, C replaced by A.
Protein change: p.Pro25His; replaces proline 25 with histidine.
Molecular consequence: missense variant.
Genome position (GRCh38, 1-based): chr22:23,580,117, G>T on the plus strand (C>A on the coding strand, the complement: IGLL1 is on the minus strand). VCF-style: chr22-23580117-G-T. GRCh37 (hg19) VCF-style: chr22-23922304-G-T.
Other names: c.74C>A, p.Pro25His (NM_001369906.1, NM_152855.3); short protein forms P25H.
Identifiers: ClinVar variation 2827475 (VCV002827475.4), dbSNP rs1248192969, ClinGen allele CA410899534.